The following is an entry in ClinVar:

ClinVar aggregate classification (germline): Uncertain significance. Review status: criteria provided, multiple submitters, no conflicts (2 of 4 stars). 2 submissions from 2 submitters: Uncertain significance (2). Last evaluated 2026-05-15.

Conditions:
Hereditary cancer-predisposing syndrome. Also called: Tumor predisposition; Neoplastic Syndromes, Hereditary; Hereditary neoplastic syndrome; Hereditary Cancer Syndrome. Identifiers: Orphanet 140162, MedGen C0027672, MeSH D009386, MONDO:0015356.

Submissions (2):

Ambry Genetics
Classification: Uncertain significance for Hereditary cancer-predisposing syndrome. Last evaluated: 2026-05-15. Review status: criteria provided, single submitter. Criteria: Ambry Variant Classification Scheme 2023. Collection method: clinical testing. Allele origin: germline.
Comment: The p.I1358F variant (also known as c.4072A>T), located in coding exon 32 of the POLE gene, results from an A to T substitution at nucleotide position 4072. The isoleucine at codon 1358 is replaced by phenylalanine, an amino acid with highly similar properties. This amino acid position is well conserved in available vertebrate species. In addition, this alteration is predicted to be tolerated by in silico analysis. Based on the available evidence, the clinical significance of this variant remains unclear.

Labcorp Genetics (formerly Invitae), Labcorp
Classification: Uncertain significance. Last evaluated: 2020-07-15. Review status: criteria provided, single submitter. Criteria: Invitae Variant Classification Sherloc (09022015). Collection method: clinical testing. Allele origin: germline.
Comment: In summary, the available evidence is currently insufficient to determine the role of this variant in disease. Therefore, it has been classified as a Variant of Uncertain Significance. Algorithms developed to predict the effect of missense changes on protein structure and function are either unavailable or do not agree on the potential impact of this missense change (SIFT: "Deleterious"; PolyPhen-2: "Benign"; Align-GVGD: "Class C0"). This variant has not been reported in the literature in individuals with POLE-related conditions. This variant is not present in population databases (ExAC no frequency). This sequence change replaces isoleucine with phenylalanine at codon 1358 of the POLE protein (p.Ile1358Phe). The isoleucine residue is moderately conserved and there is a small physicochemical difference between isoleucine and phenylalanine.

NM_006231.4(POLE):c.4072A>T (p.Ile1358Phe)

Gene: POLE (DNA polymerase epsilon, catalytic subunit; minus strand). Cytogenetic location: 12q24.33.
Variant type: single nucleotide variant.
Coding change: c.4072A>T on transcript NM_006231.4 (MANE Select); coding-DNA position 4072, A replaced by T.
Protein change: p.Ile1358Phe; replaces isoleucine 1358 with phenylalanine.
Molecular consequence: missense variant.
Genome position (GRCh38, 1-based): chr12:132,649,006, T>A on the plus strand (A>T on the coding strand, the complement: POLE is on the minus strand). VCF-style: chr12-132649006-T-A. GRCh37 (hg19) VCF-style: chr12-133225592-T-A.
Other names: c.4072A>T (NM_006231.2); short protein forms I1358F.
Identifiers: ClinVar variation 835310 (VCV000835310.10), dbSNP rs2042352699, ClinGen allele CA387383815.